The following is an entry in ClinVar:

ClinVar aggregate classification (germline): Uncertain significance (1 of 4 stars; one submission).

Conditions:
Hereditary cancer-predisposing syndrome. Also called: Neoplastic Syndromes, Hereditary; Tumor predisposition; Hereditary Cancer Syndrome; Hereditary neoplastic syndrome. Identifiers: Orphanet 140162, MedGen C0027672, MeSH D009386, MONDO:0015356.

Submission:

Ambry Genetics
Classification: Uncertain significance for Hereditary cancer-predisposing syndrome. Last evaluated: 2026-04-06. Review status: criteria provided, single submitter. Criteria: Ambry Variant Classification Scheme 2023. Collection method: clinical testing. Allele origin: germline.
Comment: The p.Y724S variant (also known as c.2171A>C), located in coding exon 17 of the BAP1 gene, results from an A to C substitution at nucleotide position 2171. The tyrosine at codon 724 is replaced by serine, an amino acid with dissimilar properties. This amino acid position is conserved. In addition, the in silico prediction for this alteration is inconclusive. Based on the available evidence, the clinical significance of this variant remains unclear.

NM_004656.4(BAP1):c.2171A>C (p.Tyr724Ser)

Gene: BAP1 (BRCA1 associated deubiquitinase 1; minus strand). Cytogenetic location: 3p21.1.
Variant type: single nucleotide variant.
Coding change: c.2171A>C on transcript NM_004656.4 (MANE Select); coding-DNA position 2171, A replaced by C.
Protein change: p.Tyr724Ser; replaces tyrosine 724 with serine.
Molecular consequence: missense variant.
Genome position (GRCh38, 1-based): chr3:52,402,307, T>G on the plus strand (A>C on the coding strand, the complement: BAP1 is on the minus strand). VCF-style: chr3-52402307-T-G. GRCh37 (hg19) VCF-style: chr3-52436323-T-G.
Other names: c.2117A>C, p.Tyr706Ser (NM_001410772.1); short protein forms Y706S, Y724S.
Identifiers: ClinVar variation 4867350 (VCV004867350.1).
Genomic context (GRCh38, chr3:52,402,307, plus strand): 5'-CACACGGCAAGAGTGGGCTGCAGAGTCAGGGCCAGCAGTCCTCACTGGCGCTTGGCCTTG[T>G]AGGGGCGAGAGCGTTTCCGCCGGTCAGGCTTCCGCTGCTTGTGGAGCCGGCCGATGCTGA-3'
Protein context (NP_004647.1, residues 714-729): KPDRRKRSRP[Tyr724Ser]KAKRQ